The following is an entry in ClinVar:

NM_006231.4(POLE):c.2431A>C (p.Ile811Leu)

Gene: POLE (DNA polymerase epsilon, catalytic subunit; minus strand). Cytogenetic location: 12q24.33.
Variant type: single nucleotide variant.
Coding change: c.2431A>C on transcript NM_006231.4 (MANE Select); coding-DNA position 2431, A replaced by C.
Protein change: p.Ile811Leu; replaces isoleucine 811 with leucine.
Molecular consequence: missense variant.
Genome position (GRCh38, 1-based): chr12:132,665,339, T>G on the plus strand (A>C on the coding strand, the complement: POLE is on the minus strand). VCF-style: chr12-132665339-T-G. GRCh37 (hg19) VCF-style: chr12-133241925-T-G.
Other names: short protein forms I811L.
Identifiers: ClinVar variation 3638980 (VCV003638980.2).

ClinVar aggregate classification (germline): Uncertain significance (1 of 4 stars; one submission).

Submission:

Labcorp Genetics (formerly Invitae), Labcorp
Classification: Uncertain significance. Last evaluated: 2024-02-05. Review status: criteria provided, single submitter. Criteria: Invitae Variant Classification Sherloc (09022015). Collection method: clinical testing. Allele origin: germline.
Comment: This sequence change replaces isoleucine, which is neutral and non-polar, with leucine, which is neutral and non-polar, at codon 811 of the POLE protein (p.Ile811Leu). This variant is not present in population databases (gnomAD no frequency). This variant has not been reported in the literature in individuals affected with POLE-related conditions. Advanced modeling of protein sequence and biophysical properties (such as structural, functional, and spatial information, amino acid conservation, physicochemical variation, residue mobility, and thermodynamic stability) performed at Invitae indicates that this missense variant is expected to disrupt POLE protein function with a positive predictive value of 80%. In summary, the available evidence is currently insufficient to determine the role of this variant in disease. Therefore, it has been classified as a Variant of Uncertain Significance.